The following is an entry in ClinVar:

NM_000047.3(ARSL):c.257G>A (p.Cys86Tyr)

Gene: ARSL (arylsulfatase L; minus strand). Cytogenetic location: Xp22.33.
Variant type: single nucleotide variant.
Coding change: c.257G>A on transcript NM_000047.3 (MANE Select); coding-DNA position 257, G replaced by A.
Protein change: p.Cys86Tyr; replaces cysteine 86 with tyrosine.
Molecular consequence: missense variant.
Genome position (GRCh38, 1-based): chrX:2,955,466, C>T on the plus strand (G>A on the coding strand, the complement: ARSL is on the minus strand). VCF-style: chrX-2955466-C-T. GRCh37 (hg19) VCF-style: chrX-2873507-C-T.
Other names: c.332G>A, p.Cys111Tyr (NM_001282628.2, NM_001369080.1); c.95G>A, p.Cys32Tyr (NM_001282631.2); c.284G>A, p.Cys95Tyr (NM_001369079.1); short protein forms C111Y, C32Y, C86Y, C95Y.
Identifiers: ClinVar variation 2633642 (VCV002633642.1), dbSNP rs2518376518, ClinGen allele CA412267853.
Genomic context (GRCh38, chrX:2,955,466, plus strand): 5'-AGAGACTGACCTGATCGCACAGGGTATCTGCCCGTGAGGAAGGCGGCTCTGCTTGGGGTG[C>T]ACAAAGATGCGGCAGAGATGTGTTGGGTCAGCTTCACGCCGTCCTCTGCAAGGCGGTCAA-3'
Protein context (NP_000038.2, residues 76-96): LTQHISAASL[Cys86Tyr]TPSRAAFLTG

ClinVar aggregate classification (germline): Uncertain significance (1 of 4 stars; one submission).

Conditions:
ARSL-related disorder. Also called: ARSL-related condition.

Submission:

PreventionGenetics, part of Exact Sciences
Classification: Uncertain significance for ARSL-related condition. Last evaluated: 2023-03-12. Review status: criteria provided, single submitter. Criteria: ACMG Guidelines, 2015. Collection method: clinical testing. Allele origin: germline.
Comment: The ARSL c.257G>A variant is predicted to result in the amino acid substitution p.Cys86Tyr. To our knowledge, this variant has not been reported in the literature or in a large population database, indicating this variant is rare. At this time, the clinical significance of this variant is uncertain due to the absence of conclusive functional and genetic evidence.